The following is an entry in ClinVar:

NM_000038.6(APC):c.7828G>C (p.Gly2610Arg)

Gene: APC (APC regulator of Wnt signaling pathway; plus strand). Cytogenetic location: 5q22.2.
Variant type: single nucleotide variant.
Coding change: c.7828G>C on transcript NM_000038.6 (MANE Select); coding-DNA position 7828, G replaced by C.
Protein change: p.Gly2610Arg; replaces glycine 2610 with arginine.
Molecular consequence: missense variant.
Genome position (GRCh38, 1-based): chr5:112,843,422, G>C. VCF-style: chr5-112843422-G-C. GRCh37 (hg19) VCF-style: chr5-112179119-G-C.
Other names: c.7828G>C, p.Gly2610Arg (NM_001127510.3, NM_001354895.2, NM_001407450.1); c.7774G>C, p.Gly2592Arg (NM_001127511.3); c.7882G>C, p.Gly2628Arg (NM_001354896.2, NM_001407447.1, NM_001407448.1 and 1 more transcripts); c.7858G>C, p.Gly2620Arg (NM_001354897.2); c.7753G>C, p.Gly2585Arg (NM_001354898.2); c.7744G>C, p.Gly2582Arg (NM_001354899.2); c.7705G>C, p.Gly2569Arg (NM_001354900.2); c.7651G>C, p.Gly2551Arg (NM_001354901.2, NM_001407453.1); and 11 more; short protein forms G2226R, G2519R, G2569R, G2585R, G2628R, G2638R, G2327R, G2592R.
Identifiers: ClinVar variation 1760789 (VCV001760789.3), dbSNP rs2149994528, ClinGen allele CA16038338.
Genomic context (GRCh38, chr5:112,843,422, plus strand): 5'-AAACATGTGAACTCTATTTCAGGAACCAAACAAAGTAAAGAAAACCAAGTATCCGCAAAA[G>C]GAACATGGAGAAAAATAAAAGAAAATGAATTTTCTCCCACAAATAGTACTTCTCAGACCG-3'
Protein context (NP_000029.2, residues 2600-2620): QSKENQVSAK[Gly2610Arg]TWRKIKENEF

ClinVar aggregate classification (germline): Uncertain significance. Review status: criteria provided, multiple submitters, no conflicts (2 of 4 stars). 2 submissions from 2 submitters: Uncertain significance (2). Last evaluated 2025-12-29.

Conditions:
Hereditary cancer-predisposing syndrome. Also called: Neoplastic Syndromes, Hereditary; Tumor predisposition; Hereditary Cancer Syndrome; Hereditary neoplastic syndrome. Identifiers: Orphanet 140162, MedGen C0027672, MeSH D009386, MONDO:0015356.

Submissions (2):

Center for Genomic Medicine, Rigshospitalet, Copenhagen University Hospital
Classification: Uncertain significance. Last evaluated: 2025-12-29. Review status: criteria provided, single submitter. Criteria: ACMG Guidelines, 2015. Collection method: clinical testing. Allele origin: germline.

Ambry Genetics
Classification: Uncertain significance for Hereditary cancer-predisposing syndrome. Last evaluated: 2022-02-01. Review status: criteria provided, single submitter. Criteria: Ambry Variant Classification Scheme 2023. Collection method: clinical testing. Allele origin: germline.
Comment: The p.G2610R variant (also known as c.7828G>C), located in coding exon 15 of the APC gene, results from a G to C substitution at nucleotide position 7828. The glycine at codon 2610 is replaced by arginine, an amino acid with dissimilar properties. This amino acid position is well conserved in available vertebrate species. In addition, in silico predictors for this gene do not accurately predict pathogenicity. Since supporting evidence is limited at this time, the clinical significance of this alteration remains unclear.